The following is an entry in ClinVar:

NM_000439.5(PCSK1):c.1403T>C (p.Val468Ala)

Genes: CAST (calpastatin; plus strand), PCSK1 (proprotein convertase subtilisin/kexin type 1; minus strand), LOC101929710 (uncharacterized LOC101929710; plus strand). Cytogenetic location: 5q15.
Variant type: single nucleotide variant.
Coding change: c.1403T>C on transcript NM_000439.5 (MANE Select); coding-DNA position 1403, T replaced by C.
Protein change: p.Val468Ala; replaces valine 468 with alanine.
Molecular consequence: missense variant. On other transcripts: intron variant (11).
Genome position (GRCh38, 1-based): chr5:96,399,980, A>G on the plus strand (T>C on the coding strand, the complement: PCSK1 is on the minus strand). VCF-style: chr5-96399980-A-G. GRCh37 (hg19) VCF-style: chr5-95735684-A-G.
Other names: c.1262T>C, p.Val421Ala (NM_001177875.2); c.-175+20328A>G (NM_001423254.1, NM_001423259.1, NM_001423255.1 and 6 more transcripts); c.-103+20328A>G (NM_001423253.1); c.-40+20328A>G (NM_001423258.1); short protein forms V468A, V421A.
Identifiers: ClinVar variation 3305230 (VCV003305230.2).

ClinVar aggregate classification (germline): Uncertain significance. Review status: criteria provided, multiple submitters, no conflicts (2 of 4 stars). 3 submissions from 3 submitters: Uncertain significance (2). 1 of the submissions does not count toward it. Last evaluated 2025-10-07.

Conditions:
Inborn genetic diseases. Identifiers: MedGen C0950123, MeSH D030342.
PCSK1-related disorder. Also called: PCSK1-related condition.

gnomAD v4.1: 26 of 1,613,750 alleles (0.0016%); highest among the groups gnomAD compares: Non-Finnish European, 0.0021%; no homozygotes.

Submissions (3):

Labcorp Genetics (formerly Invitae), Labcorp
Classification: Uncertain significance. Last evaluated: 2025-10-07. Review status: criteria provided, single submitter. Criteria: Invitae Variant Classification Sherloc (09022015). Collection method: clinical testing. Allele origin: germline.
Comment: This sequence change replaces valine, which is neutral and non-polar, with alanine, which is neutral and non-polar, at codon 468 of the PCSK1 protein (p.Val468Ala). This variant is present in population databases (rs757455835, gnomAD 0.005%). This variant has not been reported in the literature in individuals affected with PCSK1-related conditions. ClinVar contains an entry for this variant (Variation ID: 3305230). An algorithm developed to predict the effect of missense changes on protein structure and function (PolyPhen-2) suggests that this variant is likely to be tolerated. In summary, the available evidence is currently insufficient to determine the role of this variant in disease. Therefore, it has been classified as a Variant of Uncertain Significance.

Ambry Genetics
Classification: Uncertain significance for Inborn genetic diseases. Last evaluated: 2024-05-10. Review status: criteria provided, single submitter. Criteria: Ambry Variant Classification Scheme 2023. Collection method: clinical testing. Allele origin: germline.

PreventionGenetics, part of Exact Sciences
Classification: Uncertain significance for PCSK1-related condition. Last evaluated: 2024-03-21. Review status: no assertion criteria provided. Collection method: clinical testing. Allele origin: germline. Not counted in ClinVar's aggregate classification.
Comment: The PCSK1 c.1403T>C variant is predicted to result in the amino acid substitution p.Val468Ala. To our knowledge, this variant has not been reported in the literature. This variant is reported in 0.0046% of alleles in individuals of European (Non-Finnish) descent in gnomAD. At this time, the clinical significance of this variant is uncertain due to the absence of conclusive functional and genetic evidence.